The following is an entry in ClinVar:

NM_006231.4(POLE):c.1360-6C>T

Gene: POLE (DNA polymerase epsilon, catalytic subunit; minus strand). Cytogenetic location: 12q24.33.
Variant type: single nucleotide variant.
Coding change: c.1360-6C>T on transcript NM_006231.4 (MANE Select); 6 bases into the intron before coding-DNA position 1360, C replaced by T.
Molecular consequence: intron variant.
Genome position (GRCh38, 1-based): chr12:132,673,283, G>A on the plus strand (C>T on the coding strand, the complement: POLE is on the minus strand). VCF-style: chr12-132673283-G-A. GRCh37 (hg19) VCF-style: chr12-133249869-G-A.
Identifiers: ClinVar variation 240389 (VCV000240389.48), dbSNP rs139836643, ClinGen allele CA6893976.

ClinVar aggregate classification (germline): Benign/Likely benign. Review status: criteria provided, multiple submitters, no conflicts (2 of 4 stars). 15 submissions from 15 submitters: Benign (6); Likely benign (7). 2 of the submissions do not count toward it. Last evaluated 2026-06-01.

Conditions:
Polymerase proofreading-related adenomatous polyposis. Also called: Polymerase proofreading associated polyposis; Polymerase proofreading–associated polyposis (PPAP). Identifiers: Orphanet 447877, MedGen C5202613, MONDO:0018653.
Familial colorectal cancer type X. Identifiers: Orphanet 440437, MedGen C3896578, MONDO:0018604.
Hereditary cancer-predisposing syndrome. Also called: Tumor predisposition; Hereditary Cancer Syndrome; Neoplastic Syndromes, Hereditary; Hereditary neoplastic syndrome. Identifiers: Orphanet 140162, MedGen C0027672, MeSH D009386, MONDO:0015356.
Colorectal cancer, susceptibility to, 12 (CRCS12). Also called: COLORECTAL CANCER, SUSCEPTIBILITY TO, ON CHROMOSOME 12q24. Identifiers: Orphanet 220460, MedGen C3554460, MONDO:0014038, OMIM 615083.

Allele frequency attached by ClinVar (database versions not stated): TOPMed 0.00092; gnomAD 0.00096 and 0.00101; ESP Exome Variant Server 0.00100; 1000 Genomes Project 30x 0.00156; 1000 Genomes Project 0.00180.
gnomAD v4.1: 376 of 1,574,938 alleles (0.024%); highest among the groups gnomAD compares: African/African-American, 0.35%; 3 homozygotes.

Submissions (15):

CeGaT Center for Human Genetics Tuebingen
Classification: Likely benign. Last evaluated: 2026-06-01. Review status: criteria provided, single submitter. Criteria: CeGaT Center For Human Genetics Tuebingen Variant Classification Criteria Version 2. Collection method: clinical testing. Allele origin: germline. Affected: yes. Observed: 2 variant alleles.
Comment: POLE: BP4, BS1

Women's Health and Genetics/Laboratory Corporation of America, LabCorp
Classification: Benign. Last evaluated: 2026-05-05. Review status: criteria provided, single submitter. Criteria: LabCorp Variant Classification Summary - May 2015. Collection method: clinical testing. Allele origin: germline.
Comment: Variant summary: POLE c.1360-6C>T alters a nucleotide located at a position not widely known to affect splicing. Consensus agreement among computation tools predict no significant impact on normal splicing. However, these predictions have yet to be confirmed by functional studies. The variant allele was found at a frequency of 0.00028 in 251338 control chromosomes, predominantly at a frequency of 0.0032 within the African or African-American subpopulation in the gnomAD database. The observed variant frequency within African or African-American control individuals in the gnomAD database exceeds the estimated maximal expected allele frequency for disease-causing variants in POLE. To our knowledge, no occurrence of c.1360-6C>T in individuals affected with POLE-related conditions and no experimental evidence demonstrating its impact on protein function have been reported. ClinVar contains an entry for this variant (Variation ID: 240389). Based on the evidence outlined above, the variant was classified as benign.

Myriad Genetics, Inc.
Classification: Benign for Colorectal cancer, susceptibility to, 12. Last evaluated: 2026-03-04. Review status: criteria provided, single submitter. Criteria: Myriad Autosomal Dominant, Autosomal Recessive and X-Linked Classification Criteria (2023). Collection method: clinical testing. Allele origin: unknown.
Comment: This variant is considered benign. This variant is intronic and is not expected to impact mRNA splicing. This variant has been observed at a population frequency that is significantly greater than expected given the associated disease prevalence and penetrance.

Labcorp Genetics (formerly Invitae), Labcorp
Classification: Benign. Last evaluated: 2026-01-30. Review status: criteria provided, single submitter. Criteria: Invitae Variant Classification Sherloc (09022015). Collection method: clinical testing. Allele origin: germline.

Genomic Medicine Center of Excellence, King Faisal Specialist Hospital and Research Centre
Classification: Likely benign. Last evaluated: 2025-08-18. Review status: criteria provided, single submitter. Criteria: ACMG Guidelines, 2015. Collection method: clinical testing. Allele origin: germline.

Center for Genomic Medicine, Rigshospitalet, Copenhagen University Hospital
Classification: Likely benign. Last evaluated: 2025-03-04. Review status: criteria provided, single submitter. Criteria: ACMG Guidelines, 2015. Collection method: clinical testing. Allele origin: germline.

Blueprint Genetics
Classification: Likely benign. Last evaluated: 2024-11-21. Review status: criteria provided, single submitter. Criteria: ACMG Guidelines, 2015. Collection method: clinical testing. Allele origin: germline.

Department of Pathology and Laboratory Medicine, Sinai Health System
Classification: Likely benign for Polymerase proofreading-related adenomatous polyposis; Familial colorectal cancer type X. Last evaluated: 2023-11-13. Review status: criteria provided, single submitter. Criteria: ACMG Guidelines, 2015. Collection method: clinical testing. Allele origin: germline. Affected: yes.

KCCC/NGS Laboratory, Kuwait Cancer Control Center
Classification: Benign for Colorectal cancer, susceptibility to, 12. Last evaluated: 2023-07-07. Review status: criteria provided, single submitter. Criteria: ACMG Guidelines, 2015. Collection method: clinical testing. Allele origin: germline. Affected: yes.

Quest Diagnostics Nichols Institute San Juan Capistrano
Classification: Benign. Last evaluated: 2022-10-21. Review status: criteria provided, single submitter. Criteria: Quest Diagnostics criteria. Collection method: clinical testing. Allele origin: unknown.

GeneDx
Classification: Likely benign. Last evaluated: 2021-06-21. Review status: criteria provided, single submitter. Criteria: GeneDx Variant Classification Process June 2021. Collection method: clinical testing. Allele origin: germline. Affected: yes.

Sema4
Classification: Benign for Hereditary cancer-predisposing syndrome. Last evaluated: 2020-08-06. Review status: criteria provided, single submitter. Criteria: Sema4 Curation Guidelines. Collection method: curation. Allele origin: germline.

PreventionGenetics, part of Exact Sciences
Classification: Likely benign. Last evaluated: 2016-11-02. Review status: criteria provided, single submitter. Criteria: ACMG Guidelines, 2015. Collection method: clinical testing. Allele origin: germline.

Genome Diagnostics Laboratory, University Medical Center Utrecht
Classification: Likely benign. Review status: no assertion criteria provided. Collection method: clinical testing. Allele origin: germline. Affected: yes. Study: VKGL Data-share Consensus. Not counted in ClinVar's aggregate classification.

Joint Genome Diagnostic Labs from Nijmegen and Maastricht, Radboudumc and MUMC+
Classification: Likely benign. Review status: no assertion criteria provided. Collection method: clinical testing. Allele origin: germline. Affected: yes. Study: VKGL Data-share Consensus. Not counted in ClinVar's aggregate classification.